The following is an entry in ClinVar:

ClinVar aggregate classification (germline): Uncertain significance (1 of 4 stars; one submission).

Conditions:
Hypertrophic cardiomyopathy 20. Identifiers: MedGen C3151267, MONDO:0013477, OMIM 613876.
Dilated cardiomyopathy 1CC (CMD1CC). Identifiers: Orphanet 154, MedGen C2751084, MONDO:0013147, OMIM 613122.

Allele frequency attached by ClinVar (database versions not stated): TOPMed below 0.00001.

Submission:

Labcorp Genetics (formerly Invitae), Labcorp
Classification: Uncertain significance for Dilated cardiomyopathy 1CC; Hypertrophic cardiomyopathy 20. Last evaluated: 2021-02-28. Review status: criteria provided, single submitter. Criteria: Invitae Variant Classification Sherloc (09022015). Collection method: clinical testing. Allele origin: germline.
Comment: In summary, the available evidence is currently insufficient to determine the role of this variant in disease. Therefore, it has been classified as a Variant of Uncertain Significance. Algorithms developed to predict the effect of missense changes on protein structure and function are either unavailable or do not agree on the potential impact of this missense change (SIFT: "Deleterious"; PolyPhen-2: "Benign"; Align-GVGD: "Class C0"). This variant has not been reported in the literature in individuals with NEXN-related conditions. This variant is not present in population databases (ExAC no frequency). This sequence change replaces glutamic acid with alanine at codon 330 of the NEXN protein (p.Glu330Ala). The glutamic acid residue is highly conserved and there is a moderate physicochemical difference between glutamic acid and alanine.

NM_144573.4(NEXN):c.989A>C (p.Glu330Ala)

Gene: NEXN (nexilin F-actin binding protein; plus strand). Cytogenetic location: 1p31.1.
Variant type: single nucleotide variant.
Coding change: c.989A>C on transcript NM_144573.4 (MANE Select); coding-DNA position 989, A replaced by C.
Protein change: p.Glu330Ala; replaces glutamic acid 330 with alanine.
Molecular consequence: missense variant.
Genome position (GRCh38, 1-based): chr1:77,929,440, A>C. VCF-style: chr1-77929440-A-C. GRCh37 (hg19) VCF-style: chr1-78395125-A-C.
Other names: c.797A>C, p.Glu266Ala (NM_001172309.2); short protein forms E330A, E266A.
Identifiers: ClinVar variation 1474538 (VCV001474538.6), dbSNP rs1650118976, ClinGen allele CA340875516.